The following is an entry in ClinVar:

ClinVar aggregate classification (germline): Likely pathogenic. Review status: criteria provided, multiple submitters, no conflicts (2 of 4 stars). 2 submissions from 2 submitters: Likely pathogenic (2). Last evaluated 2024-01-23.

Conditions:
LAMA2-related muscular dystrophy (LAMA2-RD). Also called: Laminin alpha 2-related dystrophy. Identifiers: MedGen C5679788, MONDO:0100228.
Merosin deficient congenital muscular dystrophy (MDC1A). Also called: Congenital merosin-deficient muscular dystrophy 1A; Congenital Muscular Dystrophy Type 1A (MDC1A). Identifiers: Orphanet 258, MedGen C1263858, MONDO:0011925, OMIM 607855.

Allele frequency attached by ClinVar (database versions not stated): TOPMed below 0.00001.

Submissions (2):

Women's Health and Genetics/Laboratory Corporation of America, LabCorp
Classification: Likely pathogenic for LAMA2-related muscular dystrophy. Last evaluated: 2024-01-23. Review status: criteria provided, single submitter. Criteria: LabCorp Variant Classification Summary - May 2015. Collection method: clinical testing. Allele origin: germline.
Comment: Variant summary: LAMA2 c.2323-2A>T is located in a canonical splice-site and is predicted to affect mRNA splicing resulting in a significantly altered protein due to either exon skipping, shortening, or inclusion of intronic material. Several computational tools predict a significant impact on normal splicing: Four predict the variant abolishes a 3' acceptor site. However, these predictions have yet to be confirmed by functional studies. The variant was absent in 251010 control chromosomes. To our knowledge, no occurrence of c.2323-2A>T in individuals affected with Laminin Alpha 2-Related Dystrophy and no experimental evidence demonstrating its impact on protein function have been reported. ClinVar contains an entry for this variant (Variation ID: 2676245). Based on the evidence outlined above, the variant was classified as likely pathogenic.

Baylor Genetics
Classification: Likely pathogenic for Merosin deficient congenital muscular dystrophy. Last evaluated: 2023-05-28. Review status: criteria provided, single submitter. Criteria: ACMG Guidelines, 2015. Collection method: clinical testing. Allele origin: unknown.

NM_000426.4(LAMA2):c.2323-2A>T

Gene: LAMA2 (laminin subunit alpha 2; plus strand). Cytogenetic location: 6q22.33.
Variant type: single nucleotide variant.
Coding change: c.2323-2A>T on transcript NM_000426.4 (MANE Select); the canonical splice acceptor site of the intron before coding-DNA position 2323, A replaced by T.
Molecular consequence: splice acceptor variant.
Genome position (GRCh38, 1-based): chr6:129,270,622, A>T. VCF-style: chr6-129270622-A-T. GRCh37 (hg19) VCF-style: chr6-129591767-A-T.
Other names: c.2323-2A>T (NM_001079823.2).
Identifiers: ClinVar variation 2676245 (VCV002676245.2), dbSNP rs1787861114, ClinGen allele CA365608972.
Genomic context (GRCh38, chr6:129,270,622, plus strand): 5'-TTTGGCAACATGTTGATCCCTGACACCAAAATAATAAACTCTGATGCTCATTTCTTTCTC[A>T]GAACTGTAAGGATCACACAGGTGGCCCATATTGTGATAAATGTCTTCCTGGTTTCTATGG-3'